The following is an entry in ClinVar:

ClinVar aggregate classification (germline): Uncertain significance. Review status: criteria provided, multiple submitters, no conflicts (2 of 4 stars). 2 submissions from 2 submitters: Uncertain significance (2). Last evaluated 2026-09-08.

Conditions:
Inborn genetic diseases. Identifiers: MedGen C0950123, MeSH D030342.
PKD1L1-related disorder. Also called: PKD1L1-related condition.

Allele frequency attached by ClinVar (database versions not stated): ExAC 0.00010; gnomAD 0.00025; 1000 Genomes Project 30x 0.00031; TOPMed 0.00033; ESP Exome Variant Server 0.00038; 1000 Genomes Project 0.00040.
gnomAD v4.1: 66 of 1,612,936 alleles (0.0041%); highest among the groups gnomAD compares: African/African-American, 0.08%; no homozygotes.

Submissions (2):

PreventionGenetics, part of Exact Sciences
Classification: Uncertain significance for PKD1L1-related condition. Last evaluated: 2026-09-08. Review status: criteria provided, single submitter. Criteria: ACMG Guidelines, 2015. Collection method: clinical testing. Allele origin: germline.
Comment: The PKD1L1 c.6244G>T variant is predicted to result in the amino acid substitution p.Ala2082Ser. To our knowledge, this variant has not been reported in the literature. This variant is reported in 0.11% of alleles in individuals of African descent in gnomAD. Although we suspect that this variant may be benign, at this time, the clinical significance of this variant is uncertain due to the absence of conclusive functional and genetic evidence.

Ambry Genetics
Classification: Uncertain significance for Inborn genetic diseases. Last evaluated: 2024-03-04. Review status: criteria provided, single submitter. Criteria: Ambry Variant Classification Scheme 2023. Collection method: clinical testing. Allele origin: germline.

NM_138295.5(PKD1L1):c.6244G>T (p.Ala2082Ser)

Gene: PKD1L1 (polycystin 1 like 1, transient receptor potential channel interacting; minus strand). Cytogenetic location: 7p12.3.
Variant type: single nucleotide variant.
Coding change: c.6244G>T on transcript NM_138295.5 (MANE Select); coding-DNA position 6244, G replaced by T.
Protein change: p.Ala2082Ser; replaces alanine 2082 with serine.
Molecular consequence: missense variant.
Genome position (GRCh38, 1-based): chr7:47,833,183, C>A on the plus strand (G>T on the coding strand, the complement: PKD1L1 is on the minus strand). VCF-style: chr7-47833183-C-A. GRCh37 (hg19) VCF-style: chr7-47872781-C-A.
Other names: short protein forms A2082S.
Identifiers: ClinVar variation 3213564 (VCV003213564.2), dbSNP rs144114173, ClinGen allele CA4252511.